The following is an entry in ClinVar:

NM_182760.4(SUMF1):c.706C>T (p.Arg236Ter)

Gene: SUMF1 (sulfatase modifying factor 1; minus strand). Cytogenetic location: 3p26.1.
Variant type: single nucleotide variant.
Coding change: c.706C>T on transcript NM_182760.4 (MANE Select); coding-DNA position 706, C replaced by T.
Protein change: p.Arg236Ter; replaces arginine 236 with a stop codon.
Molecular consequence: nonsense.
Genome position (GRCh38, 1-based): chr3:4,418,029, G>A on the plus strand (C>T on the coding strand, the complement: SUMF1 is on the minus strand). VCF-style: chr3-4418029-G-A. GRCh37 (hg19) VCF-style: chr3-4459713-G-A.
Other names: c.631C>T, p.Arg211Ter (NM_001164674.2); c.706C>T, p.Arg236Ter (NM_001164675.2); short protein forms R211*, R236*.
Identifiers: ClinVar variation 1323658 (VCV001323658.12), dbSNP rs748169616, ClinGen allele CA2230496.

ClinVar aggregate classification (germline): Pathogenic. Review status: criteria provided, multiple submitters, no conflicts (2 of 4 stars). 5 submissions from 5 submitters: Pathogenic (5). Last evaluated 2025-12-10.

Conditions:
Multiple sulfatase deficiency (MSD). Also called: Mucosulfatidosis; Multiple Sulfatase Deficiency Disease; Sulfatidosis, Juvenile, Austin Type. Identifiers: Orphanet 585, MedGen C0268263, MONDO:0010088, OMIM 272200.

Allele frequency attached by ClinVar (database versions not stated): ExAC 0.00002; gnomAD 0.00001; gnomAD exomes 0.00001.
gnomAD v4.1: 6 of 1,613,736 alleles (0.00037%); highest among the groups gnomAD compares: Admixed American, 0.005%; no homozygotes.

Submissions (5):

Labcorp Genetics (formerly Invitae), Labcorp
Classification: Pathogenic for Multiple sulfatase deficiency. Last evaluated: 2025-12-10. Review status: criteria provided, single submitter. Criteria: Invitae Variant Classification Sherloc (09022015). Collection method: clinical testing. Allele origin: germline.
Comment: This sequence change creates a premature translational stop signal (p.Arg236*) in the SUMF1 gene. It is expected to result in an absent or disrupted protein product. Loss-of-function variants in SUMF1 are known to be pathogenic (PMID: 12757705, 12757706, 25885655). The frequency data for this variant in the population databases is considered unreliable, as metrics indicate poor data quality at this position in the gnomAD database. This premature translational stop signal has been observed in individual(s) with sulfatase deficiency (PMID: 25885655). ClinVar contains an entry for this variant (Variation ID: 1323658). For these reasons, this variant has been classified as Pathogenic.

Natera, Inc.
Classification: Pathogenic for Multiple sulfatase deficiency. Last evaluated: 2024-06-18. Review status: criteria provided, single submitter. Criteria: Natera Variant Classification Schema (03/2026). Collection method: clinical testing. Allele origin: germline.
Comment: The c.706C>T variant in SUMF1 is a nonsense variant predicted to introduce a stop codon at amino acid 236. This variant is expected to result in nonsense mediated decay, truncation, or a dysfunctional protein product. This variant is rare in the general population with a frequency below the threshold expected for the associated phenotype(s). This variant has been observed in one or more individuals affected with the associated recessive disease, as either homozygous or compound heterozygous with a second variant (PMID: 25885655). Given the available evidence, this variant is classified as Pathogenic.

Myriad Genetics, Inc.
Classification: Pathogenic for Multiple sulfatase deficiency. Last evaluated: 2024-05-06. Review status: criteria provided, single submitter. Criteria: Myriad Autosomal Dominant, Autosomal Recessive and X-Linked Classification Criteria (2023). Collection method: clinical testing. Allele origin: unknown.
Comment: NM_182760.3(SUMF1):c.706C>T(R236*) is expected to be pathogenic in the context of multiple sulfatase deficiency. This variant is predicted to lead to an abnormal or absent protein product due to the creation of a premature termination codon in SUMF1, a gene where loss-of-function variants are known to be pathogenic. Please note: this variant was assessed in the context of healthy population screening.

Fulgent Genetics
Classification: Pathogenic for Multiple sulfatase deficiency. Last evaluated: 2024-04-17. Review status: criteria provided, single submitter. Criteria: ACMG Guidelines, 2015. Collection method: clinical testing. Allele origin: germline.

Revvity Omics, Revvity
Classification: Pathogenic for Multiple sulfatase deficiency. Last evaluated: 2024-03-28. Review status: criteria provided, single submitter. Criteria: ACMG Guidelines, 2015. Collection method: clinical testing. Allele origin: germline.

Literature cited by the submitters: PubMed 12757705 (cited by Labcorp Genetics (formerly Invitae), Labcorp); PubMed 12757706 (cited by Labcorp Genetics (formerly Invitae), Labcorp); PubMed 25885655 (cited by Labcorp Genetics (formerly Invitae), Labcorp and Natera, Inc.).